The following is an entry in ClinVar:

ClinVar aggregate classification (germline): Likely benign (1 of 4 stars; one submission).

Submission:

CeGaT Center for Human Genetics Tuebingen
Classification: Likely benign. Last evaluated: 2024-09-01. Review status: criteria provided, single submitter. Criteria: CeGaT Center For Human Genetics Tuebingen Variant Classification Criteria Version 2. Collection method: clinical testing. Allele origin: germline. Affected: yes. Observed: 1 variant allele.
Comment: POU3F3: PM2:Supporting, BP4, BP7

NM_006236.3(POU3F3):c.711A>G (p.Pro237=)

Gene: POU3F3 (POU class 3 homeobox 3; plus strand). Cytogenetic location: 2q12.1.
Variant type: single nucleotide variant.
Coding change: c.711A>G on transcript NM_006236.3 (MANE Select); coding-DNA position 711, A replaced by G.
Protein change: p.Pro237=; no amino-acid change (proline 237 retained).
Molecular consequence: synonymous variant.
Genome position (GRCh38, 1-based): chr2:104,856,221, A>G. VCF-style: chr2-104856221-A-G. GRCh37 (hg19) VCF-style: chr2-105472679-A-G.
Identifiers: ClinVar variation 3388690 (VCV003388690.14).